The following is an entry in ClinVar:

NM_015443.4(KANSL1):c.3049dup (p.Asp1017fs)

Gene: KANSL1 (KAT8 regulatory NSL complex subunit 1). Cytogenetic location: 17q21.31.
Variant type: Duplication.
Coding change: c.3049dup on transcript NM_015443.4 (MANE Select); coding-DNA position 3049, one base duplicated.
Protein change: p.Asp1017fs; shifts the reading frame from aspartic acid 1017.
Molecular consequence: frameshift variant.
Genome position: GRCh38 VCF-style: chr17-46032087-T-TC. GRCh37 (hg19) VCF-style: chr17-44109453-T-TC.
Other names: c.3046dup, p.Asp1016fs (NM_001193465.2); c.3049dup, p.Asp1017fs (NM_001193466.2, NM_001379198.1); short protein forms D1016fs, D1017fs.
Identifiers: ClinVar variation 981161 (VCV000981161.3), dbSNP rs2077025601, ClinGen allele CA1139665659.

ClinVar aggregate classification (germline): Pathogenic (1 of 4 stars; one submission).

Conditions:
Koolen-de Vries syndrome (KDVS). Identifiers: Orphanet 96169, MedGen C1864871, MONDO:0012496, OMIM 610443.

Submission:

Institute of Human Genetics, University of Goettingen
Classification: Pathogenic for Koolen-de Vries syndrome. Last evaluated: 2020-06-16. Review status: criteria provided, single submitter. Criteria: ACMG Guidelines, 2015. Collection method: clinical testing. Allele origin: de novo. Inheritance: Autosomal dominant inheritance. Affected: yes. Observed: 1 heterozygote.
Comment: The KANSL1 variant c.3046dupG is not found in the gnomAD database. The mutation has been occurred de novo. The variant c.3046dupG in KANSL1 causes a frameshift and possibly also haploinsufficency. Thus, we consider this variant to be pathogenic. ACMG criteria used for classification: PVS1_vstr, PM2.